The following is an entry in ClinVar:

ClinVar aggregate classification (germline): Uncertain significance. Review status: criteria provided, multiple submitters, no conflicts (2 of 4 stars). 3 submissions from 3 submitters: Uncertain significance (3). Last evaluated 2025-04-28.

Conditions:
Hereditary spastic paraplegia 48. Also called: SPASTIC PARAPLEGIA 48, AUTOSOMAL RECESSIVE; Spastic paraplegia 48. Identifiers: Orphanet 306511, MedGen C3150901, MONDO:0013342, OMIM 613647.
Inborn genetic diseases. Identifiers: MedGen C0950123, MeSH D030342.

Allele frequency attached by ClinVar (database versions not stated): ExAC 0.00002; TOPMed 0.00007; ESP Exome Variant Server 0.00008.

Submissions (3):

Mayo Clinic Laboratories, Mayo Clinic
Classification: Uncertain significance. Last evaluated: 2025-04-28. Review status: criteria provided, single submitter. Criteria: ACMG Guidelines, 2015. Collection method: clinical testing. Allele origin: germline. Observed: 1 variant allele.
Comment: BP4_moderate, PM2_supporting

Ambry Genetics
Classification: Uncertain significance for Inborn genetic diseases. Last evaluated: 2024-08-05. Review status: criteria provided, single submitter. Criteria: Ambry Variant Classification Scheme 2023. Collection method: clinical testing. Allele origin: germline.

Labcorp Genetics (formerly Invitae), Labcorp
Classification: Uncertain significance for Hereditary spastic paraplegia 48. Last evaluated: 2024-05-15. Review status: criteria provided, single submitter. Criteria: Invitae Variant Classification Sherloc (09022015). Collection method: clinical testing. Allele origin: germline.
Comment: This sequence change replaces arginine, which is basic and polar, with cysteine, which is neutral and slightly polar, at codon 792 of the AP5Z1 protein (p.Arg792Cys). This variant is present in population databases (rs374101536, gnomAD 0.006%). This variant has not been reported in the literature in individuals affected with AP5Z1-related conditions. ClinVar contains an entry for this variant (Variation ID: 2049139). Advanced modeling of protein sequence and biophysical properties (such as structural, functional, and spatial information, amino acid conservation, physicochemical variation, residue mobility, and thermodynamic stability) performed at Invitae indicates that this missense variant is not expected to disrupt AP5Z1 protein function with a negative predictive value of 80%. In summary, the available evidence is currently insufficient to determine the role of this variant in disease. Therefore, it has been classified as a Variant of Uncertain Significance.

NM_014855.3(AP5Z1):c.2374C>T (p.Arg792Cys)

Gene: AP5Z1 (adaptor related protein complex 5 subunit zeta 1; plus strand). Cytogenetic location: 7p22.1.
Variant type: single nucleotide variant.
Coding change: c.2374C>T on transcript NM_014855.3 (MANE Select); coding-DNA position 2374, C replaced by T.
Protein change: p.Arg792Cys; replaces arginine 792 with cysteine.
Molecular consequence: missense variant. On other transcripts: non-coding transcript variant (1).
Genome position (GRCh38, 1-based): chr7:4,791,335, C>T. VCF-style: chr7-4791335-C-T. GRCh37 (hg19) VCF-style: chr7-4830966-C-T.
Other names: p.Arg792Cys; c.2374C>T (NM_014855.2); c.1906C>T, p.Arg636Cys (NM_001364858.1); short protein forms R636C, R792C.
Identifiers: ClinVar variation 2049139 (VCV002049139.6), dbSNP rs374101536, ClinGen allele CA4138455.